The following is an entry in ClinVar:

NM_000256.3(MYBPC3):c.394C>T (p.Pro132Ser)

Gene: MYBPC3 (myosin binding protein C3; minus strand). Cytogenetic location: 11p11.2.
Variant type: single nucleotide variant.
Coding change: c.394C>T on transcript NM_000256.3 (MANE Select); coding-DNA position 394, C replaced by T.
Protein change: p.Pro132Ser; replaces proline 132 with serine.
Molecular consequence: missense variant.
Genome position (GRCh38, 1-based): chr11:47,350,514, G>A on the plus strand (C>T on the coding strand, the complement: MYBPC3 is on the minus strand). VCF-style: chr11-47350514-G-A. GRCh37 (hg19) VCF-style: chr11-47372065-G-A.
Other names: short protein forms P132S.
Identifiers: ClinVar variation 919397 (VCV000919397.16), dbSNP rs1042129854, ClinGen allele CA221707685.

ClinVar aggregate classification (germline): Conflicting classifications of pathogenicity. Review status: criteria provided, conflicting classifications (1 of 4 stars). 5 submissions from 5 submitters: Uncertain significance (4); Likely benign (1). Last evaluated 2026-05-11.

Conditions:
Hypertrophic cardiomyopathy. Also called: HYPERTROPHIC MYOCARDIOPATHY. Identifiers: Orphanet 217569, MedGen C0007194, MeSH D002312, MONDO:0005045, HP:0001639.
Cardiovascular phenotype. Identifiers: MedGen CN230736.
MYBPC3-related disorder. Also called: MYBPC3-related disorders; MYBPC3-related condition; MYBPC3-related disease.
Cardiomyopathy (CMYO). Also called: Cardiomyopathies. Identifiers: Orphanet 167848, MedGen C0878544, MONDO:0004994, HP:0001638. Inheritance: Various modes of inheritance.

Allele frequency attached by ClinVar (database versions not stated): TOPMed below 0.00001; gnomAD 0.00001; gnomAD exomes 0.00002.
gnomAD v4.1: 24 of 1,559,376 alleles (0.0015%); highest among the groups gnomAD compares: Non-Finnish European, 0.0018%; no homozygotes.

Submissions (5):

PreventionGenetics, part of Exact Sciences
Classification: Uncertain significance for MYBPC3-related condition. Last evaluated: 2026-05-11. Review status: criteria provided, single submitter. Criteria: ACMG Guidelines, 2015. Collection method: clinical testing. Allele origin: germline.
Comment: The MYBPC3 c.394C>T variant is predicted to result in the amino acid substitution p.Pro132Ser. To our knowledge, this variant has not been reported in the literature. This variant is reported in 0.0013% of alleles in individuals of European (Non-Finnish) descent in gnomAD. At this time, the clinical significance of this variant is uncertain due to the absence of conclusive functional and genetic evidence.

Labcorp Genetics (formerly Invitae), Labcorp
Classification: Uncertain significance for Hypertrophic cardiomyopathy. Last evaluated: 2024-10-18. Review status: criteria provided, single submitter. Criteria: Invitae Variant Classification Sherloc (09022015). Collection method: clinical testing. Allele origin: germline.
Comment: This sequence change replaces proline, which is neutral and non-polar, with serine, which is neutral and polar, at codon 132 of the MYBPC3 protein (p.Pro132Ser). The frequency data for this variant in the population databases is considered unreliable, as metrics indicate poor data quality at this position in the gnomAD database. This variant has not been reported in the literature in individuals affected with MYBPC3-related conditions. ClinVar contains an entry for this variant (Variation ID: 919397). An algorithm developed specifically for the MYBPC3 gene suggests that this missense change is likely to be tolerated (PMID: 21310275). In summary, the available evidence is currently insufficient to determine the role of this variant in disease. Therefore, it has been classified as a Variant of Uncertain Significance.

Ambry Genetics
Classification: Likely benign for Cardiovascular phenotype. Last evaluated: 2024-06-01. Review status: criteria provided, single submitter. Criteria: Ambry Variant Classification Scheme 2023. Collection method: clinical testing. Allele origin: germline.

All of Us Research Program, National Institutes of Health
Classification: Uncertain significance for Hypertrophic cardiomyopathy. Last evaluated: 2024-05-14. Review status: criteria provided, single submitter. Criteria: ACMG Guidelines, 2015. Collection method: clinical testing. Allele origin: germline. Inheritance: Autosomal dominant inheritance. Observed: 1 variant allele, 1 heterozygote.
Comment: This missense variant replaces proline with serine at codon 132 of the MYBPC3 protein. Computational prediction suggests that this variant may not impact protein structure and function (internally defined REVEL score threshold <= 0.5, PMID: 27666373). Splice site prediction tools suggest that this variant may not impact RNA splicing. To our knowledge, functional studies have not been performed for this variant. This variant has not been reported in individuals affected with cardiovascular disorders in the literature. This variant has not been identified in the general population by the Genome Aggregation Database (gnomAD). The available evidence is insufficient to determine the role of this variant in disease conclusively. Therefore, this variant is classified as a Variant of Uncertain Significance.

This study involves interpretation of variants in research participants for the purpose of population health screening. Participant phenotype was not available at the time of variant classification. Additional details can be found in publication PMID: 35346344, PMCID: PMC8962531

Color Diagnostics, LLC DBA Color Health
Classification: Uncertain significance for Cardiomyopathy. Last evaluated: 2024-04-26. Review status: criteria provided, single submitter. Criteria: ACMG Guidelines, 2015. Collection method: clinical testing. Allele origin: germline.
Comment: This missense variant replaces proline with serine at codon 132 of the MYBPC3 protein. Computational prediction tools indicate that this variant has a neutral impact on protein structure and function. To our knowledge, functional studies have not been reported for this variant. This variant has not been reported in individuals affected with MYBPC3-related disorders in the literature. This variant has not been identified in the general population by the Genome Aggregation Database (gnomAD). The available evidence is insufficient to determine the role of this variant in disease conclusively. Therefore, this variant is classified as a Variant of Uncertain Significance.

Literature cited by the submitters: PubMed 21310275 (cited by Labcorp Genetics (formerly Invitae), Labcorp).